The following is an entry in ClinVar:

ClinVar aggregate classification (germline): Uncertain significance. Review status: reviewed by expert panel (3 of 4 stars). 4 submissions from 4 submitters: Uncertain significance (1). 3 of the submissions do not count toward it. Last evaluated 2024-09-30.

Conditions:
Hereditary thrombocytopenia and hematologic cancer predisposition syndrome. Identifiers: Orphanet 71290, MedGen CN281654, MONDO:0011071.
Inborn genetic diseases. Identifiers: MedGen C0950123, MeSH D030342.
Acute myeloid leukemia (AML). Also called: Acute myeloid leukemia, adult; AML adult; Acute non-lymphocytic leukemia; Acute granulocytic leukemia; Leukemia, acute myelogenous, somatic; Leukemia, acute myeloid, somatic. Identifiers: Orphanet 519, MedGen C0023467, MeSH D015470, MONDO:0018874, OMIM 601626, HP:0004808. Disease mechanism: Constitutively activated FLT3.
Hereditary thrombocytopenia and hematological cancer predisposition syndrome associated with RUNX1. Also called: Familial Platelet Disorder with Propensity to Acute Myelogenous Leukemia; Familial thrombocytopenia with propensity to acute myelogenous leukemia; PLATELET DISORDER, ASPIRIN-LIKE; RUNX1 Familial Platelet Disorder with Associated Myeloid Malignancies. Identifiers: Orphanet 71290, MedGen C1832388, MeSH C563324, MONDO:0100083, OMIM 601399.

Allele frequency attached by ClinVar (database versions not stated): gnomAD exomes below 0.00001 and 0.00001; gnomAD 0.00001 and 0.00002.
gnomAD v4.1: 5 of 1,612,116 alleles (0.00031%); highest among the groups gnomAD compares: African/African-American, 0.0067%; no homozygotes.

Submissions (4):

ClinGen Myeloid Malignancy Variant Curation Expert Panel
Classification: Uncertain significance for Hereditary thrombocytopenia and hematologic cancer predisposition syndrome. Last evaluated: 2024-09-30. Review status: reviewed by expert panel. Criteria: ClinGen MyeloMalig ACMG Specifications v2. Collection method: curation. Allele origin: germline. Inheritance: Autosomal dominant inheritance.
Comment: NM_001754.5(RUNX1):c.692T>C (p.Leu231Pro) is a missense variant which does not meet any ACMG/AMP criteria. In summary, the clinical significance of this variant is uncertain. ACMG/AMP criteria applied, as specified by the Myeloid Malignancy Variant Curation Expert Panel for RUNX1: None.

Ambry Genetics
Classification: Uncertain significance for Inborn genetic diseases. Last evaluated: 2025-03-31. Review status: criteria provided, single submitter. Criteria: Ambry Variant Classification Scheme 2023. Collection method: clinical testing. Allele origin: germline. Not counted in ClinVar's aggregate classification.
Comment: The p.L231P variant (also known as c.692T>C), located in coding exon 6 of the RUNX1 gene, results from a T to C substitution at nucleotide position 692. The leucine at codon 231 is replaced by proline, an amino acid with similar properties. This amino acid position is conserved. In addition, this alteration is predicted to be deleterious by in silico analysis. Based on the available evidence, the clinical significance of this variant remains unclear.

Labcorp Genetics (formerly Invitae), Labcorp
Classification: Uncertain significance for Hereditary thrombocytopenia and hematological cancer predisposition syndrome associated with RUNX1. Last evaluated: 2024-04-30. Review status: criteria provided, single submitter. Criteria: Invitae Variant Classification Sherloc (09022015). Collection method: clinical testing. Allele origin: germline. Not counted in ClinVar's aggregate classification.
Comment: This sequence change replaces leucine, which is neutral and non-polar, with proline, which is neutral and non-polar, at codon 231 of the RUNX1 protein (p.Leu231Pro). This variant is present in population databases (no rsID available, gnomAD 0.01%). This variant has not been reported in the literature in individuals affected with RUNX1-related conditions. ClinVar contains an entry for this variant (Variation ID: 963047). Advanced modeling of protein sequence and biophysical properties (such as structural, functional, and spatial information, amino acid conservation, physicochemical variation, residue mobility, and thermodynamic stability) performed at Invitae indicates that this missense variant is not expected to disrupt RUNX1 protein function with a negative predictive value of 80%. In summary, the available evidence is currently insufficient to determine the role of this variant in disease. Therefore, it has been classified as a Variant of Uncertain Significance.

Baylor Genetics
Classification: Uncertain significance for Acute myeloid leukemia. Last evaluated: 2023-10-09. Review status: criteria provided, single submitter. Criteria: ACMG Guidelines, 2015. Collection method: clinical testing. Allele origin: unknown. Not counted in ClinVar's aggregate classification.

NM_001754.5(RUNX1):c.692T>C (p.Leu231Pro)

Gene: RUNX1 (RUNX family transcription factor 1; minus strand). Cytogenetic location: 21q22.12.
Variant type: single nucleotide variant.
Coding change: c.692T>C on transcript NM_001754.5 (MANE Select); coding-DNA position 692, T replaced by C.
Protein change: p.Leu231Pro; replaces leucine 231 with proline.
Molecular consequence: missense variant.
Genome position (GRCh38, 1-based): chr21:34,834,523, A>G on the plus strand (T>C on the coding strand, the complement: RUNX1 is on the minus strand). VCF-style: chr21-34834523-A-G. GRCh37 (hg19) VCF-style: chr21-36206820-A-G.
Other names: NM_001754.5(RUNX1):c.692T>C; p.Leu231Pro; c.611T>C, p.Leu204Pro (NM_001001890.3, NM_001122607.2); short protein forms L204P, L231P.
Identifiers: ClinVar variation 963047 (VCV000963047.10), dbSNP rs1408720761, ClinGen allele CA410206881.
Genomic context (GRCh38, chr21:34,834,523, plus strand): 5'-GCACGAGGGTTGGGCGTGGGGGCTGGGTGGTGTGGGCTGACCCTCATGGCTGTGCGCCGC[A>G]GCTGCTCCAGTTCACTGAGCCGCTCGGAAAAGGACAAGCTCCCGGGCTTGGTCTGATCAT-3'
Protein context (NP_001745.2, residues 221-241): FSERLSELEQ[Leu231Pro]RRTAMRVSPH